The following is an entry in ClinVar:

ClinVar aggregate classification (germline): Benign (1 of 4 stars; one submission).

Conditions:
Hereditary leiomyomatosis and renal cell cancer. Also called: MULTIPLE CUTANEOUS AND UTERINE LEIOMYOMATA 1, WITH OR WITHOUT RENAL CELL CARCINOMA; LEIOMYOMA, MULTIPLE CUTANEOUS; FH tumor predisposition syndrome; Reed syndrome; Multiple cutaneous and uterine leiomyomatosis; Cutaneous leiomyomata with uterine leiomyomata. Identifiers: Orphanet 523, MedGen C1708350, MONDO:0007888, OMIM 150800, HP:0007437. Disease mechanism: loss of function.

Submission:

Myriad Genetics, Inc.
Classification: Benign for Hereditary leiomyomatosis and renal cell cancer. Last evaluated: 2024-10-18. Review status: criteria provided, single submitter. Criteria: Myriad Autosomal Dominant, Autosomal Recessive and X-Linked Classification Criteria (2023). Collection method: clinical testing. Allele origin: unknown.
Comment: This variant is considered benign. This variant is a silent/synonymous amino acid change and it is not expected to impact splicing.

NM_000143.4(FH):c.622T>C (p.Leu208=)

Gene: FH (fumarate hydratase; minus strand). Cytogenetic location: 1q43.
Variant type: single nucleotide variant.
Coding change: c.622T>C on transcript NM_000143.4 (MANE Select); coding-DNA position 622, T replaced by C.
Protein change: p.Leu208=; no amino-acid change (leucine 208 retained).
Molecular consequence: synonymous variant.
Genome position (GRCh38, 1-based): chr1:241,508,719, A>G on the plus strand (T>C on the coding strand, the complement: FH is on the minus strand). VCF-style: chr1-241508719-A-G. GRCh37 (hg19) VCF-style: chr1-241672019-A-G.
Identifiers: ClinVar variation 3773172 (VCV003773172.1).